The following is an entry in ClinVar:

NM_001347721.2(DYRK1A):c.701dup (p.Tyr234Ter)

Gene: DYRK1A (dual specificity tyrosine phosphorylation regulated kinase 1A; plus strand). Cytogenetic location: 21q22.13.
Variant type: Duplication.
Coding change: c.701dup on transcript NM_001347721.2 (MANE Select); coding-DNA position 701, one base duplicated (A; older notation c.701dupA).
Protein change: p.Tyr234Ter; replaces tyrosine 234 with a stop codon.
Molecular consequence: nonsense.
Genome position (GRCh38, 1-based): chr21:37,490,238, A duplicated. VCF-style (leftmost placement, unchanged base first): chr21-37490237-T-TA. GRCh37 (hg19) VCF-style: chr21-38862539-T-TA.
Other names: c.701dup, p.Tyr234Ter (NM_001347722.2, NM_130436.2); c.614dup, p.Tyr205Ter (NM_001347723.2); c.728dup, p.Tyr243Ter (NM_001396.5, NM_101395.2, NM_130438.2); short protein forms Y205*, Y234*, Y243*.
Identifiers: ClinVar variation 1709937 (VCV001709937.2), dbSNP rs2518027869, ClinGen allele CA2580098700.
Genomic context (GRCh38, chr21:37,490,237, plus strand): 5'-CATTTGAAACGCCACTTTATGTTTCGAAACCATCTCTGTTTAGTTTTTGAAATGCTGTCC[T>TA]ACAACCTCTATGACTTGCTGAGAAACACCAATTTCCGAGGGGTCTCTTTGAACCTAACAC-3'

ClinVar aggregate classification (germline): Pathogenic (1 of 4 stars; one submission).

Conditions:
DYRK1A-related intellectual disability syndrome (MRD7). Also called: DYRK1A Syndrome; Intellectual developmental disorder, autosomal dominant 7. Identifiers: Orphanet 464306, MedGen C5568143, MONDO:0013578, OMIM 614104.

Submission:

MGZ Medical Genetics Center
Classification: Pathogenic for DYRK1A-related intellectual disability syndrome. Last evaluated: 2021-08-31. Review status: criteria provided, single submitter. Criteria: ACMG Guidelines, 2015. Collection method: clinical testing. Allele origin: germline. Affected: yes. Observed: 1 variant allele.
Comment: ACMG criteria applied: PVS1, PS2, PM2_SUP